The following is an entry in ClinVar:

ClinVar aggregate classification (germline): Pathogenic. Review status: criteria provided, multiple submitters, no conflicts (2 of 4 stars). 3 submissions from 3 submitters: Pathogenic (3). Last evaluated 2025-11-19.

Conditions:
DDX41-related hematologic malignancy predisposition syndrome. Also called: DDX41-Associated Familial Myelodysplastic Syndrome and Acute Myeloid Leukemia; Myeloproliferative/lymphoproliferative neoplasms, familial (multiple types), susceptibility to. Identifiers: Orphanet 488647, MedGen C4225174, MONDO:0014809, OMIM 616871.
DDX41-related disorders.
Inborn genetic diseases. Identifiers: MedGen C0950123, MeSH D030342.

Submissions (3):

Ambry Genetics
Classification: Pathogenic for Inborn genetic diseases. Last evaluated: 2025-11-19. Review status: criteria provided, single submitter. Criteria: Ambry Variant Classification Scheme 2023. Collection method: clinical testing. Allele origin: germline.
Comment: The c.323delA pathogenic mutation, located in coding exon 4 of the DDX41 gene, results from a deletion of one nucleotide at nucleotide position 323, causing a translational frameshift with a predicted alternate stop codon (p.K108Sfs*3). This variant is considered to be rare based on population cohorts in the Genome Aggregation Database (gnomAD). This alteration is expected to result in loss of function by premature protein truncation or nonsense-mediated mRNA decay. As such, this alteration is interpreted as a disease-causing mutation.

Blueprint Genetics
Classification: Pathogenic for DDX41-related disorders. Last evaluated: 2022-09-05. Review status: criteria provided, single submitter. Criteria: ACMG Guidelines, 2015. Collection method: clinical testing. Allele origin: germline. Affected: yes. Observed: 1 variant allele.

Genetic Services Laboratory, University of Chicago
Classification: Pathogenic for DDX41-related hematologic malignancy predisposition syndrome. Last evaluated: 2015-12-03. Review status: criteria provided, single submitter. Criteria: ACMG Guidelines, 2015. Collection method: clinical testing. Allele origin: germline. Affected: yes.

NM_016222.4(DDX41):c.323del (p.Lys108fs)

Gene: DDX41 (DEAD-box helicase 41; minus strand). Cytogenetic location: 5q35.3.
Variant type: Deletion.
Coding change: c.323del on transcript NM_016222.4 (MANE Select); coding-DNA position 323, one base deleted (A; older notation c.323delA).
Protein change: p.Lys108fs; shifts the reading frame from lysine 108.
Molecular consequence: frameshift variant. On other transcripts: 5 prime UTR variant (2).
Genome position (GRCh38, 1-based): chr5:177,516,169, T deleted on the plus strand (A on the coding strand, the reverse complement: DDX41 is on the minus strand); the first of 2 consecutive T bases (chr5:177,516,169-177,516,170); deleting either gives the same sequence. VCF-style (leftmost placement, unchanged base first): chr5-177516168-CT-C. GRCh37 (hg19) VCF-style: chr5-176943169-CT-C.
Other names: c.323delA (NM_016222.2); c.-56del (NM_001321732.2, NM_001321830.2); c.323del, p.Lys108fs (LRG_1386t1); short protein forms K108fs.
Identifiers: ClinVar variation 434922 (VCV000434922.8), dbSNP rs1554111653, ClinGen allele CA645372812.